The following is an entry in ClinVar:

ClinVar aggregate classification (germline): Likely benign (1 of 4 stars; one submission).

Allele frequency attached by ClinVar (database versions not stated): gnomAD 0.01358 and 0.01448; 1000 Genomes Project 0.01458; TOPMed 0.01533; 1000 Genomes Project 30x 0.01686.
gnomAD v4.1: 2,047 of 152,342 alleles (1.3%); highest among the groups gnomAD compares: African/African-American, 4.7%; 53 homozygotes.

Submission:

GeneDx
Classification: Likely benign. Last evaluated: 2018-06-14. Review status: criteria provided, single submitter. Criteria: GeneDx Variant Classification (06012015). Collection method: clinical testing. Allele origin: germline. Affected: yes.
Comment: This variant is considered likely benign or benign based on one or more of the following criteria: it is a conservative change, it occurs at a poorly conserved position in the protein, it is predicted to be benign by multiple in silico algorithms, and/or has population frequency not consistent with disease.

NM_001375808.2(LPIN2):c.1793+270A>T

Gene: LPIN2 (lipin 2; minus strand). Cytogenetic location: 18p11.31.
Variant type: single nucleotide variant.
Coding change: c.1793+270A>T on transcript NM_001375808.2 (MANE Select); 270 bases into the intron after coding-DNA position 1793, A replaced by T.
Molecular consequence: intron variant.
Genome position (GRCh38, 1-based): chr18:2,926,453, T>A on the plus strand (A>T on the coding strand, the complement: LPIN2 is on the minus strand). VCF-style: chr18-2926453-T-A. GRCh37 (hg19) VCF-style: chr18-2926451-T-A.
Other names: c.1793+270A>T (NM_014646.2, NM_001375809.1).
Identifiers: ClinVar variation 672554 (VCV000672554.1), dbSNP rs145211520, ClinGen allele CA295495728.